The following is an entry in ClinVar:

NM_004269.4(MED27):c.527T>A (p.Met176Lys)

Gene: MED27 (mediator complex subunit 27; minus strand). Cytogenetic location: 9q34.13.
Variant type: single nucleotide variant.
Coding change: c.527T>A on transcript NM_004269.4 (MANE Select); coding-DNA position 527, T replaced by A.
Protein change: p.Met176Lys; replaces methionine 176 with lysine.
Molecular consequence: missense variant.
Genome position (GRCh38, 1-based): chr9:131,939,427, A>T on the plus strand (T>A on the coding strand, the complement: MED27 is on the minus strand). VCF-style: chr9-131939427-A-T. GRCh37 (hg19) VCF-style: chr9-134814814-A-T.
Other names: c.527T>A, p.Met176Lys (NM_001253881.2); short protein forms M176K.
Identifiers: ClinVar variation 1804300 (VCV001804300.1), dbSNP rs143503347, ClinGen allele CA5295643.

ClinVar aggregate classification (germline): Uncertain significance (1 of 4 stars; one submission).

Allele frequency attached by ClinVar (database versions not stated): gnomAD exomes below 0.00001; ExAC 0.00001; ESP Exome Variant Server 0.00008.

Submission:

GeneDx
Classification: Uncertain significance. Last evaluated: 2022-06-17. Review status: criteria provided, single submitter. Criteria: GeneDx Variant Classification Process June 2021. Collection method: clinical testing. Allele origin: germline. Affected: yes.
Comment: Not observed at significant frequency in large population cohorts (gnomAD); In silico analysis supports that this missense variant has a deleterious effect on protein structure/function; Has not been previously published as pathogenic or benign to our knowledge